The following is an entry in ClinVar:

ClinVar aggregate classification (germline): Uncertain significance (1 of 4 stars; one submission).

Allele frequency attached by ClinVar (database versions not stated): gnomAD exomes below 0.00001; gnomAD 0.00001; TOPMed 0.00001; 1000 Genomes Project 30x 0.00016; 1000 Genomes Project 0.00020.
gnomAD v4.1: 4 of 1,588,528 alleles (0.00025%); highest among the groups gnomAD compares: Admixed American, 0.0071%; no homozygotes.

Submission:

Labcorp Genetics (formerly Invitae), Labcorp
Classification: Uncertain significance. Last evaluated: 2022-09-28. Review status: criteria provided, single submitter. Criteria: Invitae Variant Classification Sherloc (09022015). Collection method: clinical testing. Allele origin: germline.
Comment: In summary, the available evidence is currently insufficient to determine the role of this variant in disease. Therefore, it has been classified as a Variant of Uncertain Significance. Advanced modeling of protein sequence and biophysical properties (such as structural, functional, and spatial information, amino acid conservation, physicochemical variation, residue mobility, and thermodynamic stability) performed at Invitae indicates that this missense variant is not expected to disrupt C3 protein function. This variant has not been reported in the literature in individuals affected with C3-related conditions. The frequency data for this variant in the population databases is considered unreliable, as metrics indicate poor data quality at this position in the gnomAD database. This sequence change replaces proline, which is neutral and non-polar, with leucine, which is neutral and non-polar, at codon 24 of the C3 protein (p.Pro24Leu).

NM_000064.4(C3):c.71C>T (p.Pro24Leu)

Gene: C3 (complement C3; minus strand). Cytogenetic location: 19p13.3.
Variant type: single nucleotide variant.
Coding change: c.71C>T on transcript NM_000064.4 (MANE Select); coding-DNA position 71, C replaced by T.
Protein change: p.Pro24Leu; replaces proline 24 with leucine.
Molecular consequence: missense variant.
Genome position (GRCh38, 1-based): chr19:6,720,519, G>A on the plus strand (C>T on the coding strand, the complement: C3 is on the minus strand). VCF-style: chr19-6720519-G-A. GRCh37 (hg19) VCF-style: chr19-6720530-G-A.
Other names: short protein forms P24L.
Identifiers: ClinVar variation 1920415 (VCV001920415.5), dbSNP rs201572119, ClinGen allele CA9129920.